The following is an entry in ClinVar:

NM_198578.4(LRRK2):c.1239A>C (p.Glu413Asp)

Gene: LRRK2 (leucine rich repeat kinase 2; plus strand). Cytogenetic location: 12q12.
Variant type: single nucleotide variant.
Coding change: c.1239A>C on transcript NM_198578.4 (MANE Select); coding-DNA position 1239, A replaced by C.
Protein change: p.Glu413Asp; replaces glutamic acid 413 with aspartic acid.
Molecular consequence: missense variant.
Genome position (GRCh38, 1-based): chr12:40,252,967, A>C. VCF-style: chr12-40252967-A-C. GRCh37 (hg19) VCF-style: chr12-40646769-A-C.
Other names: short protein forms E413D.
Identifiers: ClinVar variation 3229507 (VCV003229507.9), dbSNP rs2499514919, ClinGen allele CA384409435.

ClinVar aggregate classification (germline): Uncertain significance. Review status: criteria provided, multiple submitters, no conflicts (2 of 4 stars). 2 submissions from 2 submitters: Uncertain significance (2). Last evaluated 2025-08-01.

Conditions:
Inborn genetic diseases. Identifiers: MedGen C0950123, MeSH D030342.

Allele frequency attached by ClinVar (database versions not stated): gnomAD exomes below 0.00001.
gnomAD v4.1: 3 of 1,613,506 alleles (0.00019%); highest among the groups gnomAD compares: Non-Finnish European, 0.00025%; no homozygotes.

Submissions (2):

CeGaT Center for Human Genetics Tuebingen
Classification: Uncertain significance. Last evaluated: 2025-08-01. Review status: criteria provided, single submitter. Criteria: CeGaT Center For Human Genetics Tuebingen Variant Classification Criteria Version 2. Collection method: clinical testing. Allele origin: germline. Affected: yes. Observed: 1 variant allele.
Comment: LRRK2: PM2, BP4

Ambry Genetics
Classification: Uncertain significance for Inborn genetic diseases. Last evaluated: 2024-02-06. Review status: criteria provided, single submitter. Criteria: Ambry Variant Classification Scheme 2023. Collection method: clinical testing. Allele origin: germline.
Comment: The p.E413D variant (also known as c.1239A>C), located in coding exon 11 of the LRRK2 gene, results from an A to C substitution at nucleotide position 1239. The glutamic acid at codon 413 is replaced by aspartic acid, an amino acid with highly similar properties. This amino acid position is conserved. In addition, this alteration is predicted to be tolerated by in silico analysis. Based on the available evidence, the clinical significance of this alteration remains unclear.